The following is an entry in ClinVar:

NM_031475.3(ESPN):c.1369G>T (p.Ala457Ser)

Gene: ESPN (espin; plus strand). Cytogenetic location: 1p36.31.
Variant type: single nucleotide variant.
Coding change: c.1369G>T on transcript NM_031475.3 (MANE Select); coding-DNA position 1369, G replaced by T.
Protein change: p.Ala457Ser; replaces alanine 457 with serine.
Molecular consequence: missense variant.
Genome position (GRCh38, 1-based): chr1:6,445,840, G>T. VCF-style: chr1-6445840-G-T. GRCh37 (hg19) VCF-style: chr1-6505900-G-T.
Other names: p.Ala457Ser; c.1369G>T, p.Ala457Ser (NM_001367473.1, NM_001367474.1); c.1369G>T (NM_031475.2); short protein forms A457S.
Identifiers: ClinVar variation 2071078 (VCV002071078.7), dbSNP rs370388560, ClinGen allele CA560207.

ClinVar aggregate classification (germline): Conflicting classifications of pathogenicity. Review status: criteria provided, conflicting classifications (1 of 4 stars). 6 submissions from 6 submitters: Uncertain significance (5); Likely benign (1). Last evaluated 2026-05-26.

Conditions:
Autosomal recessive nonsyndromic hearing loss 36. Also called: DEAFNESS, AUTOSOMAL RECESSIVE 36, WITH VESTIBULAR INVOLVEMENT; Deafness, autosomal recessive 36. Identifiers: Orphanet 90636, MedGen C1837007, MONDO:0012170, OMIM 609006.
Usher syndrome, type 1M. Identifiers: MedGen C5231434, MONDO:0032841, OMIM 618632.
ESPN-related disorder. Also called: ESPN-related condition.

Allele frequency attached by ClinVar (database versions not stated): ESP Exome Variant Server 0.00008; 1000 Genomes Project 30x 0.00016; gnomAD 0.00022.
gnomAD v4.1: 335 of 1,556,982 alleles (0.022%); highest among the groups gnomAD compares: East Asian, 0.076%; 2 homozygotes.

Submissions (6):

PreventionGenetics, part of Exact Sciences
Classification: Uncertain significance for ESPN-related condition. Last evaluated: 2026-05-26. Review status: criteria provided, single submitter. Criteria: ACMG Guidelines, 2015. Collection method: clinical testing. Allele origin: germline.
Comment: The ESPN c.1369G>T variant is predicted to result in the amino acid substitution p.Ala457Ser. To our knowledge, this variant has not been reported in the literature. This variant is reported in 0.043% of alleles in individuals of Latino descent in gnomAD. At this time, the clinical significance of this variant is uncertain due to the absence of conclusive functional and genetic evidence.

GeneDx
Classification: Uncertain significance. Last evaluated: 2025-05-14. Review status: criteria provided, single submitter. Criteria: GeneDx Variant Classification Process June 2021. Collection method: clinical testing. Allele origin: germline. Affected: yes.
Comment: In silico analysis suggests that this missense variant does not alter protein structure/function; Has not been previously published as pathogenic or benign to our knowledge; In silico analysis suggests this variant may impact gene splicing. In the absence of RNA/functional studies, the actual effect of this sequence change is unknown.

Blueprint Genetics
Classification: Likely benign. Last evaluated: 2024-11-06. Review status: criteria provided, single submitter. Criteria: ACMG Guidelines, 2015. Collection method: clinical testing. Allele origin: germline.

Labcorp Genetics (formerly Invitae), Labcorp
Classification: Uncertain significance. Last evaluated: 2024-01-15. Review status: criteria provided, single submitter. Criteria: Invitae Variant Classification Sherloc (09022015). Collection method: clinical testing. Allele origin: germline.
Comment: This sequence change replaces alanine, which is neutral and non-polar, with serine, which is neutral and polar, at codon 457 of the ESPN protein (p.Ala457Ser). This variant is present in population databases (rs370388560, gnomAD 0.04%). This variant has not been reported in the literature in individuals affected with ESPN-related conditions. ClinVar contains an entry for this variant (Variation ID: 2071078). An algorithm developed to predict the effect of missense changes on protein structure and function (PolyPhen-2) suggests that this variant¬†is likely to be tolerated. In summary, the available evidence is currently insufficient to determine the role of this variant in disease. Therefore, it has been classified as a Variant of Uncertain Significance.

Fulgent Genetics
Classification: Uncertain significance for Autosomal recessive nonsyndromic hearing loss 36; Usher syndrome, type 1M. Last evaluated: 2023-12-29. Review status: criteria provided, single submitter. Criteria: ACMG Guidelines, 2015. Collection method: clinical testing. Allele origin: germline.

Mayo Clinic Laboratories, Mayo Clinic
Classification: Uncertain significance. Last evaluated: 2022-12-05. Review status: criteria provided, single submitter. Criteria: ACMG Guidelines, 2015. Collection method: clinical testing. Allele origin: germline. Observed: 1 variant allele.
Comment: PM2_supporting